The following is an entry in ClinVar:

ClinVar aggregate classification (germline): Likely benign (1 of 4 stars; one submission).

Allele frequency attached by ClinVar (database versions not stated): TOPMed 0.00124; 1000 Genomes Project 30x 0.00156; 1000 Genomes Project 0.00160; gnomAD 0.00187; gnomAD exomes 0.00210.

Submission:

CeGaT Center for Human Genetics Tuebingen
Classification: Likely benign. Last evaluated: 2023-02-01. Review status: criteria provided, single submitter. Criteria: CeGaT Center For Human Genetics Tuebingen Variant Classification Criteria Version 2. Collection method: clinical testing. Allele origin: germline. Affected: yes. Observed: 1 variant allele.
Comment: CCND2: BS1

NM_001759.4(CCND2):c.*769A>G

Gene: CCND2 (cyclin D2; plus strand). Cytogenetic location: 12p13.32.
Variant type: single nucleotide variant.
Coding change: c.*769A>G on transcript NM_001759.4 (MANE Select); 769 bases downstream of the stop codon, A replaced by G.
Molecular consequence: 3 prime UTR variant.
Genome position (GRCh38, 1-based): chr12:4,300,778, A>G. VCF-style: chr12-4300778-A-G. GRCh37 (hg19) VCF-style: chr12-4409944-A-G.
Identifiers: ClinVar variation 2642585 (VCV002642585.24), dbSNP rs117673615, ClinGen allele CA231748035.